The following is an entry in ClinVar:

NM_001211.6(BUB1B):c.2432T>C (p.Leu811Ser)

Gene: BUB1B (BUB1 mitotic checkpoint serine/threonine kinase B; plus strand). Cytogenetic location: 15q15.1.
Variant type: single nucleotide variant.
Coding change: c.2432T>C on transcript NM_001211.6 (MANE Select); coding-DNA position 2432, T replaced by C.
Protein change: p.Leu811Ser; replaces leucine 811 with serine.
Molecular consequence: missense variant.
Genome position (GRCh38, 1-based): chr15:40,212,545, T>C. VCF-style: chr15-40212545-T-C. GRCh37 (hg19) VCF-style: chr15-40504746-T-C.
Other names: short protein forms L811S.
Identifiers: ClinVar variation 1425378 (VCV001425378.10), dbSNP rs975163412, ClinGen allele CA268802993.

ClinVar aggregate classification (germline): Uncertain significance. Review status: criteria provided, multiple submitters, no conflicts (2 of 4 stars). 3 submissions from 3 submitters: Uncertain significance (3). Last evaluated 2025-06-19.

Conditions:
Inborn genetic diseases. Identifiers: MedGen C0950123, MeSH D030342.
Mosaic variegated aneuploidy syndrome 1 (MVA1). Also called: Warburton-Anyane-Yeboa syndrome. Identifiers: Orphanet 1052, MedGen C1850343, MONDO:0009759, OMIM 257300.

Submissions (3):

GeneDx
Classification: Uncertain significance. Last evaluated: 2025-06-19. Review status: criteria provided, single submitter. Criteria: GeneDx Variant Classification Process June 2021. Collection method: clinical testing. Allele origin: germline. Affected: yes.
Comment: Not observed at significant frequency in large population cohorts (gnomAD); In silico analysis supports that this missense variant has a deleterious effect on protein structure/function; Has not been previously published as pathogenic or benign to our knowledge

Ambry Genetics
Classification: Uncertain significance for Inborn genetic diseases. Last evaluated: 2024-07-17. Review status: criteria provided, single submitter. Criteria: Ambry Variant Classification Scheme 2023. Collection method: clinical testing. Allele origin: germline.
Comment: The p.L811S variant (also known as c.2432T>C), located in coding exon 19 of the BUB1B gene, results from a T to C substitution at nucleotide position 2432. The leucine at codon 811 is replaced by serine, an amino acid with dissimilar properties. This amino acid position is conserved. In addition, the in silico prediction for this alteration is inconclusive. Since supporting evidence is limited at this time, the clinical significance of this alteration remains unclear.

Labcorp Genetics (formerly Invitae), Labcorp
Classification: Uncertain significance for Mosaic variegated aneuploidy syndrome 1. Last evaluated: 2021-10-01. Review status: criteria provided, single submitter. Criteria: Invitae Variant Classification Sherloc (09022015). Collection method: clinical testing. Allele origin: germline.
Comment: This variant has not been reported in the literature in individuals affected with BUB1B-related conditions. In summary, the available evidence is currently insufficient to determine the role of this variant in disease. Therefore, it has been classified as a Variant of Uncertain Significance. Algorithms developed to predict the effect of missense changes on protein structure and function are either unavailable or do not agree on the potential impact of this missense change (SIFT: "Deleterious"; PolyPhen-2: "Probably Damaging"; Align-GVGD: "Class C0"). This variant is not present in population databases (ExAC no frequency). This sequence change replaces leucine with serine at codon 811 of the BUB1B protein (p.Leu811Ser). The leucine residue is moderately conserved and there is a large physicochemical difference between leucine and serine.